The following is an entry in ClinVar:

ClinVar aggregate classification (germline): Uncertain significance. Review status: criteria provided, multiple submitters, no conflicts (2 of 4 stars). 3 submissions from 3 submitters: Uncertain significance (3). Last evaluated 2024-12-23.

Conditions:
Inborn genetic diseases. Identifiers: MedGen C0950123, MeSH D030342.
Ullrich congenital muscular dystrophy 2 (UCMD2). Identifiers: Orphanet 75840, MedGen C4225314, MONDO:0014654, OMIM 616470.
Bethlem myopathy 2 (BTHLM2). Identifiers: Orphanet 536516, Orphanet 610, MedGen C4225313, MONDO:0034022, OMIM 616471.

Allele frequency attached by ClinVar (database versions not stated): TOPMed 0.00001.

Submissions (3):

Women's Health and Genetics/Laboratory Corporation of America, LabCorp
Classification: Uncertain significance. Last evaluated: 2024-12-23. Review status: criteria provided, single submitter. Criteria: LabCorp Variant Classification Summary - May 2015. Collection method: clinical testing. Allele origin: germline.
Comment: Variant summary: COL12A1 c.6223G>A (p.Gly2075Ser) results in a non-conservative amino acid change located in the Fibronectin type-III domain (IPR003961) of the encoded protein sequence. Four of five in-silico tools predict a damaging effect of the variant on protein function. The variant was absent in 238332 control chromosomes. The available data on variant occurrences in the general population are insufficient to allow any conclusion about variant significance. To our knowledge, no occurrence of c.6223G>A in individuals affected with Ullrich congenital muscular dystrophy 2 and no experimental evidence demonstrating its impact on protein function have been reported. ClinVar contains an entry for this variant (Variation ID: 1487501). Based on the evidence outlined above, the variant was classified as uncertain significance.

Ambry Genetics
Classification: Uncertain significance for Inborn genetic diseases. Last evaluated: 2024-02-27. Review status: criteria provided, single submitter. Criteria: Ambry Variant Classification Scheme 2023. Collection method: clinical testing. Allele origin: germline.

Labcorp Genetics (formerly Invitae), Labcorp
Classification: Uncertain significance for Bethlem myopathy 2; Ullrich congenital muscular dystrophy 2. Last evaluated: 2023-08-17. Review status: criteria provided, single submitter. Criteria: Invitae Variant Classification Sherloc (09022015). Collection method: clinical testing. Allele origin: germline.
Comment: This sequence change replaces glycine, which is neutral and non-polar, with serine, which is neutral and polar, at codon 2075 of the COL12A1 protein (p.Gly2075Ser). This variant is not present in population databases (gnomAD no frequency). This variant has not been reported in the literature in individuals affected with COL12A1-related conditions. In summary, the available evidence is currently insufficient to determine the role of this variant in disease. Therefore, it has been classified as a Variant of Uncertain Significance. Advanced modeling of protein sequence and biophysical properties (such as structural, functional, and spatial information, amino acid conservation, physicochemical variation, residue mobility, and thermodynamic stability) has been performed at Invitae for this missense variant, however the output from this modeling did not meet the statistical confidence thresholds required to predict the impact of this variant on COL12A1 protein function. ClinVar contains an entry for this variant (Variation ID: 1487501).

NM_004370.6(COL12A1):c.6223G>A (p.Gly2075Ser)

Gene: COL12A1 (collagen type XII alpha 1 chain; minus strand). Cytogenetic location: 6q13.
Variant type: single nucleotide variant.
Coding change: c.6223G>A on transcript NM_004370.6 (MANE Select); coding-DNA position 6223, G replaced by A.
Protein change: p.Gly2075Ser; replaces glycine 2075 with serine.
Molecular consequence: missense variant.
Genome position (GRCh38, 1-based): chr6:75,128,413, C>T on the plus strand (G>A on the coding strand, the complement: COL12A1 is on the minus strand). VCF-style: chr6-75128413-C-T. GRCh37 (hg19) VCF-style: chr6-75838129-C-T.
Other names: c.6223G>A (NM_004370.5); c.2731G>A, p.Gly911Ser (NM_080645.3); short protein forms G2075S, G911S.
Identifiers: ClinVar variation 1487501 (VCV001487501.10), dbSNP rs1253942397, ClinGen allele CA364730556.